The following is an entry in ClinVar:

ClinVar aggregate classification (germline): Pathogenic (1 of 4 stars; one submission).

Conditions:
Hereditary breast ovarian cancer syndrome. Also called: Hereditary breast and ovarian cancer syndrome (HBOC); Hereditary breast and/or ovarian cancer syndrome; BRCA1- and BRCA2-Associated Hereditary Breast and Ovarian Cancer; Hereditary breast and ovarian cancer syndrome; Hereditary breast and ovarian cancer; Breast and ovarian cancer. Identifiers: Orphanet 145, MedGen C0677776, MeSH D061325, MONDO:0003582. Disease mechanism: loss of function.

Submission:

Labcorp Genetics (formerly Invitae), Labcorp
Classification: Pathogenic for Hereditary breast ovarian cancer syndrome. Last evaluated: 2017-01-25. Review status: criteria provided, single submitter. Criteria: Invitae Variant Classification Sherloc (09022015). Collection method: clinical testing. Allele origin: germline.
Comment: This variant is a gross deletion of the genomic region encompassing exons 2-11 of the BRCA1 gene, which includes the initiator codon. The 5' end of this event is unknown as it extends beyond the assayed region for this gene and therefore may encompass additional genes. The 3' boundary is likely confined to intron 11 of the BRCA1 gene. This is expected to result in an absent or disrupted protein product. While this particular deletion has not been reported in the literature, loss-of-function variants including gross deletions in BRCA1 are known to be pathogenic (PMID: 19393826, 24825132, 23479189, 21120943, 207276720). Similar deletions of exons 1-11 (also known as exons 1-12 in the literature) have been reported in individuals with breast cancer (PMID: 16551709, 21404118). For these reasons, this variant has been classified as Pathogenic.

NM_007294.3(BRCA1):c.-19-?_4185+?del

Genes: BRCA1 (BRCA1 DNA repair associated; minus strand), LOC126862571 (BRD4-independent group 4 enhancer GRCh37_chr17:41243136-41244335; plus strand), LOC110485084 (BRCA1 intronic recombination region; plus strand), LOC111589216 (BRCA1 intron 2 regulatory region; plus strand). Cytogenetic location: 17q21.31.
Variant type: Deletion.
Coding change: c.-19-?_4185+?del on transcript NM_007294.3.
Other names: c.-19-?_4185+?del (LRG_292t1).
Identifiers: ClinVar variation 254034 (VCV000254034.1).